The following is an entry in ClinVar:

ClinVar aggregate classification (germline): Benign/Likely benign. Review status: criteria provided, multiple submitters, no conflicts (2 of 4 stars). 2 submissions from 2 submitters: Benign (1); Likely benign (1). Last evaluated 2025-12-29.

Conditions:
NEFH-related disorder. Also called: NEFH-related condition.

Allele frequency attached by ClinVar (database versions not stated): gnomAD 0.00007; TOPMed 0.00007; gnomAD exomes 0.00010; ExAC 0.00028.
gnomAD v4.1: 157 of 1,613,798 alleles (0.0097%); highest among the groups gnomAD compares: East Asian, 0.24%; no homozygotes.

Submissions (2):

Labcorp Genetics (formerly Invitae), Labcorp
Classification: Benign. Last evaluated: 2025-12-29. Review status: criteria provided, single submitter. Criteria: Invitae Variant Classification Sherloc (09022015). Collection method: clinical testing. Allele origin: germline.

PreventionGenetics, part of Exact Sciences
Classification: Likely benign for NEFH-related condition. Last evaluated: 2025-08-18. Review status: criteria provided, single submitter. Criteria: ACMG Guidelines, 2015. Collection method: clinical testing. Allele origin: germline.
Comment: This variant is classified as likely benign based on ACMG/AMP sequence variant interpretation guidelines (Richards et al. 2015 PMID: 25741868, with internal and published modifications).

NM_021076.4(NEFH):c.903G>A (p.Ser301=)

Gene: NEFH (neurofilament heavy chain; plus strand). Cytogenetic location: 22q12.2.
Variant type: single nucleotide variant.
Coding change: c.903G>A on transcript NM_021076.4 (MANE Select); coding-DNA position 903, G replaced by A.
Protein change: p.Ser301=; no amino-acid change (serine 301 retained).
Molecular consequence: synonymous variant.
Genome position (GRCh38, 1-based): chr22:29,483,394, G>A. VCF-style: chr22-29483394-G-A. GRCh37 (hg19) VCF-style: chr22-29879383-G-A.
Other names: c.903G>A (NM_021076.3).
Identifiers: ClinVar variation 2181481 (VCV002181481.5), dbSNP rs781291855, ClinGen allele CA10174062.